The following is an entry in ClinVar:

ClinVar aggregate classification (germline): Uncertain significance. Review status: criteria provided, multiple submitters, no conflicts (2 of 4 stars). 2 submissions from 2 submitters: Uncertain significance (2). Last evaluated 2025-01-27.

Conditions:
Inborn genetic diseases. Identifiers: MedGen C0950123, MeSH D030342.

Allele frequency attached by ClinVar (database versions not stated): TOPMed 0.00002; ExAC 0.00003; gnomAD 0.00001.

Submissions (2):

Labcorp Genetics (formerly Invitae), Labcorp
Classification: Uncertain significance. Last evaluated: 2025-01-27. Review status: criteria provided, single submitter. Criteria: Invitae Variant Classification Sherloc (09022015). Collection method: clinical testing. Allele origin: germline.
Comment: This sequence change replaces valine, which is neutral and non-polar, with isoleucine, which is neutral and non-polar, at codon 257 of the COMP protein (p.Val257Ile). The frequency data for this variant in the population databases is considered unreliable, as metrics indicate poor data quality at this position in the gnomAD database. This variant has not been reported in the literature in individuals affected with COMP-related conditions. ClinVar contains an entry for this variant (Variation ID: 3010069). Invitae Evidence Modeling of protein sequence and biophysical properties (such as structural, functional, and spatial information, amino acid conservation, physicochemical variation, residue mobility, and thermodynamic stability) indicates that this missense variant is not expected to disrupt COMP protein function with a negative predictive value of 80%. In summary, the available evidence is currently insufficient to determine the role of this variant in disease. Therefore, it has been classified as a Variant of Uncertain Significance.

Ambry Genetics
Classification: Uncertain significance for Inborn genetic diseases. Last evaluated: 2024-04-01. Review status: criteria provided, single submitter. Criteria: Ambry Variant Classification Scheme 2023. Collection method: clinical testing. Allele origin: germline.

NM_000095.3(COMP):c.769G>A (p.Val257Ile)

Gene: COMP (cartilage oligomeric matrix protein; minus strand). Cytogenetic location: 19p13.11.
Variant type: single nucleotide variant.
Coding change: c.769G>A on transcript NM_000095.3 (MANE Select); coding-DNA position 769, G replaced by A.
Protein change: p.Val257Ile; replaces valine 257 with isoleucine.
Molecular consequence: missense variant.
Genome position (GRCh38, 1-based): chr19:18,788,508, C>T on the plus strand (G>A on the coding strand, the complement: COMP is on the minus strand). VCF-style: chr19-18788508-C-T. GRCh37 (hg19) VCF-style: chr19-18899317-C-T.
Other names: c.769G>A (NM_000095.2); short protein forms V257I.
Identifiers: ClinVar variation 3010069 (VCV003010069.4), dbSNP rs769780203, ClinGen allele CA9316633.